The following is an entry in ClinVar:

ClinVar aggregate classification (germline): Likely pathogenic (1 of 4 stars; one submission).

Conditions:
Familial adenomatous polyposis 1 (FAP1). Also called: POLYPOSIS, ADENOMATOUS INTESTINAL; FAMILIAL ADENOMATOUS POLYPOSIS 1, ATTENUATED. Identifiers: MedGen C2713442, MONDO:0021056, OMIM 175100. Disease mechanism: loss of function.

Submission:

Myriad Genetics, Inc.
Classification: Likely pathogenic for Familial adenomatous polyposis 1. Last evaluated: 2023-04-27. Review status: criteria provided, single submitter. Criteria: Myriad Autosomal Dominant, Autosomal Recessive and X-Linked Classification Criteria (2023). Collection method: clinical testing. Allele origin: unknown.
Comment: This variant is considered likely pathogenic. This variant occurs within a consensus splice junction and is predicted to result in abnormal mRNA splicing of either an out-of-frame exon or an in-frame exon necessary for protein stability and/or normal function.

NM_000038.6(APC):c.645+1del

Gene: APC (APC regulator of Wnt signaling pathway; plus strand). Cytogenetic location: 5q22.2.
Variant type: Deletion.
Coding change: c.645+1del on transcript NM_000038.6 (MANE Select); the canonical splice donor site of the intron after coding-DNA position 645, one base deleted (G; older notation c.645+1delG).
Molecular consequence: splice donor variant.
Genome position (GRCh38, 1-based): chr5:112,780,904, G deleted; the last of 2 consecutive G bases (chr5:112,780,903-112,780,904); deleting either gives the same sequence. VCF-style (leftmost placement, unchanged base first): chr5-112780902-AG-A. GRCh37 (hg19) VCF-style: chr5-112116599-AG-A.
Other names: c.-391+1del (NM_001407470.1, NM_001407472.1, NM_001354906.2 and 1 more transcripts); c.645+1del (NM_001407447.1, NM_001354895.2, NM_001407456.1 and 16 more transcripts); c.675+1del (NM_001407446.1, NM_001354897.2, NM_001354902.2 and 1 more transcripts); c.468+1del (NM_001407453.1, NM_001354900.2, NM_001354901.2 and 1 more transcripts); c.570+1del (NM_001407451.1, NM_001354898.2, NM_001354904.2).
Identifiers: ClinVar variation 2583322 (VCV002583322.1), dbSNP rs2532491103, ClinGen allele CA2582341605.